The following is an entry in ClinVar:

NM_017433.5(MYO3A):c.2281G>A (p.Asp761Asn)

Gene: MYO3A (myosin IIIA; plus strand). Cytogenetic location: 10p12.1.
Variant type: single nucleotide variant.
Coding change: c.2281G>A on transcript NM_017433.5 (MANE Select); coding-DNA position 2281, G replaced by A.
Protein change: p.Asp761Asn; replaces aspartic acid 761 with asparagine.
Molecular consequence: missense variant.
Genome position (GRCh38, 1-based): chr10:26,143,466, G>A. VCF-style: chr10-26143466-G-A. GRCh37 (hg19) VCF-style: chr10-26432395-G-A.
Other names: short protein forms D761N.
Identifiers: ClinVar variation 2872132 (VCV002872132.3), dbSNP rs2493681115, ClinGen allele CA376334355.
Genomic context (GRCh38, chr10:26,143,466, plus strand): 5'-ATATATTATTCACAGTTTTAAGTGGTTTTGTCTTTATTATAGAATGAATACCTAAATGAA[G>A]ATGTGGATGCTAGAGTTATTGAATATGAGGATAACTGGCCCCTCTTAGATATGTTTCTGC-3'
Protein context (NP_059129.3, residues 751-771): AWEQNEYLNE[Asp761Asn]VDARVIEYED

ClinVar aggregate classification (germline): Uncertain significance (1 of 4 stars; one submission).

Submission:

Labcorp Genetics (formerly Invitae), Labcorp
Classification: Uncertain significance. Last evaluated: 2023-01-04. Review status: criteria provided, single submitter. Criteria: Invitae Variant Classification Sherloc (09022015). Collection method: clinical testing. Allele origin: germline.
Comment: Advanced modeling of protein sequence and biophysical properties (such as structural, functional, and spatial information, amino acid conservation, physicochemical variation, residue mobility, and thermodynamic stability) performed at Invitae indicates that this missense variant is not expected to disrupt MYO3A protein function. This variant has not been reported in the literature in individuals affected with MYO3A-related conditions. This variant is not present in population databases (gnomAD no frequency). This sequence change replaces aspartic acid, which is acidic and polar, with asparagine, which is neutral and polar, at codon 761 of the MYO3A protein (p.Asp761Asn). In summary, the available evidence is currently insufficient to determine the role of this variant in disease. Therefore, it has been classified as a Variant of Uncertain Significance.